The following is an entry in ClinVar:

ClinVar aggregate classification (germline): Uncertain significance. Review status: criteria provided, multiple submitters, no conflicts (2 of 4 stars). 2 submissions from 2 submitters: Uncertain significance (2). Last evaluated 2023-07-25.

Conditions:
Neonatal-onset encephalopathy with rigidity and seizures. Also called: Lethal neonatal spasticity-epileptic encephalopathy syndrome. Identifiers: Orphanet 435845, MedGen C3281029, MONDO:0013784, OMIM 614498.

Allele frequency attached by ClinVar (database versions not stated): gnomAD exomes 0.00001 and 0.00003; TOPMed 0.00003; ExAC 0.00007; gnomAD 0.00007; ESP Exome Variant Server 0.00008.
gnomAD v4.1: 48 of 1,594,418 alleles (0.003%); highest among the groups gnomAD compares: African/African-American, 0.011%; no homozygotes.

Submissions (2):

GeneDx
Classification: Uncertain significance. Last evaluated: 2023-07-25. Review status: criteria provided, single submitter. Criteria: GeneDx Variant Classification Process June 2021. Collection method: clinical testing. Allele origin: germline. Affected: yes.
Comment: Has not been previously published as pathogenic or benign to our knowledge; Not observed at significant frequency in large population cohorts (gnomAD); In silico analysis supports that this missense variant has a deleterious effect on protein structure/function; This variant is associated with the following publications: (PMID: 30464253)

Labcorp Genetics (formerly Invitae), Labcorp
Classification: Uncertain significance for Neonatal-onset encephalopathy with rigidity and seizures. Last evaluated: 2021-12-10. Review status: criteria provided, single submitter. Criteria: Invitae Variant Classification Sherloc (09022015). Collection method: clinical testing. Allele origin: germline.
Comment: This sequence change replaces arginine, which is basic and polar, with histidine, which is basic and polar, at codon 508 of the BRAT1 protein (p.Arg508His). This variant is present in population databases (rs377427021, gnomAD 0.01%). This variant has not been reported in the literature in individuals affected with BRAT1-related conditions. ClinVar contains an entry for this variant (Variation ID: 952249). Algorithms developed to predict the effect of missense changes on protein structure and function are either unavailable or do not agree on the potential impact of this missense change (SIFT: "Deleterious"; PolyPhen-2: "Benign"; Align-GVGD: "Class C25"). In summary, the available evidence is currently insufficient to determine the role of this variant in disease. Therefore, it has been classified as a Variant of Uncertain Significance.

NM_152743.4(BRAT1):c.1523G>A (p.Arg508His)

Gene: BRAT1 (BRCA1 associated ATM activator 1; minus strand). Cytogenetic location: 7p22.3.
Variant type: single nucleotide variant.
Coding change: c.1523G>A on transcript NM_152743.4 (MANE Select); coding-DNA position 1523, G replaced by A.
Protein change: p.Arg508His; replaces arginine 508 with histidine.
Molecular consequence: missense variant. On other transcripts: non-coding transcript variant (1).
Genome position (GRCh38, 1-based): chr7:2,539,618, C>T on the plus strand (G>A on the coding strand, the complement: BRAT1 is on the minus strand). VCF-style: chr7-2539618-C-T. GRCh37 (hg19) VCF-style: chr7-2579252-C-T.
Other names: c.1523G>A, p.Arg508His (NM_001350626.2); c.998G>A, p.Arg333His (NM_001350627.2); short protein forms R508H, R333H.
Identifiers: ClinVar variation 952249 (VCV000952249.5), dbSNP rs377427021, ClinGen allele CA4127699.